The following is an entry in ClinVar:

ClinVar aggregate classification (germline): Likely pathogenic (1 of 4 stars; one submission).

Conditions:
Breast-ovarian cancer, familial, susceptibility to, 3. Also called: RAD51C-Related Breast/Ovarian Cancer. Identifiers: Orphanet 145, MedGen C3150659, MONDO:0013253, OMIM 613399.

Submission:

Institut für angewandte Humangenetik und Onkogenetik Professor Froster
Classification: Likely pathogenic for Breast-ovarian cancer, familial, susceptibility to, 3. Last evaluated: 2026-05-28. Review status: criteria provided, single submitter. Criteria: ACMG Guidelines, 2015. Collection method: clinical testing. Allele origin: germline. Affected: yes. Observed: 1 variant allele, 1 heterozygote.
Comment: The sequence change c.405T>A p.(Cys135*) is predicted to introduce a premature termination codon. Since this stop codon is located well upstream of the final exon-exon junction, the transcript is expected to undergo nonsense-mediated mRNA decay. Therefore, the variant is predicted to result in loss of function. Loss of fuction varaints in RAD51C have been shown to be pathogenic (PMID: 20400964). The variant is absent from population databases (gnomAD). The variant has not been reported in the literature in individuals with breast and/or ovarian cancer. No functional studies evaluating the impact of this variant have been reported. The variant has been classified as likely pathogenic (PVS1_STR, PMS2_SUP).

Literature cited by the submitters: PubMed 20400964.

NM_058216.3(RAD51C):c.405T>A (p.Cys135Ter)

Gene: RAD51C (RAD51 paralog C; plus strand). Cytogenetic location: 17q22.
Variant type: single nucleotide variant.
Coding change: c.405T>A on transcript NM_058216.3 (MANE Select); coding-DNA position 405, T replaced by A.
Protein change: p.Cys135Ter; replaces cysteine 135 with a stop codon.
Molecular consequence: nonsense.
Genome position (GRCh38, 1-based): chr17:58,696,693, T>A. VCF-style: chr17-58696693-T-A. GRCh37 (hg19) VCF-style: chr17-56774054-T-A.
Other names: short protein forms C135*.
Identifiers: ClinVar variation 4856805 (VCV004856805.1).